The following is an entry in ClinVar:

ClinVar aggregate classification (germline): Uncertain significance. Review status: criteria provided, multiple submitters, no conflicts (2 of 4 stars). 2 submissions from 2 submitters: Uncertain significance (2). Last evaluated 2025-09-25.

Conditions:
Epilepsy, familial adult myoclonic, 5 (EPEO5). Also called: CORTICAL MYOCLONIC TREMOR WITH EPILEPSY, FAMILIAL, 5. Identifiers: Orphanet 86814, MedGen C3809374, MONDO:0014167, OMIM 615400.

Allele frequency attached by ClinVar (database versions not stated): TOPMed 0.00007; gnomAD 0.00006; ExAC 0.00007; gnomAD exomes 0.00009; ESP Exome Variant Server 0.00008.
gnomAD v4.1: 206 of 1,526,836 alleles (0.013%); highest among the groups gnomAD compares: East Asian, 0.034%; no homozygotes.

Submissions (2):

Ambry Genetics
Classification: Uncertain significance. Last evaluated: 2025-09-25. Review status: criteria provided, single submitter. Criteria: Ambry Variant Classification Scheme 2023. Collection method: clinical testing. Allele origin: germline.

Labcorp Genetics (formerly Invitae), Labcorp
Classification: Uncertain significance for Epilepsy, familial adult myoclonic, 5. Last evaluated: 2025-07-21. Review status: criteria provided, single submitter. Criteria: Invitae Variant Classification Sherloc (09022015). Collection method: clinical testing. Allele origin: germline.
Comment: This sequence change replaces glycine, which is neutral and non-polar, with serine, which is neutral and polar, at codon 130 of the CNTN2 protein (p.Gly130Ser). This variant is present in population databases (rs368353579, gnomAD 0.04%). This variant has not been reported in the literature in individuals affected with CNTN2-related conditions. ClinVar contains an entry for this variant (Variation ID: 1475671). Invitae Evidence Modeling of protein sequence and biophysical properties (such as structural, functional, and spatial information, amino acid conservation, physicochemical variation, residue mobility, and thermodynamic stability) indicates that this missense variant is not expected to disrupt CNTN2 protein function with a negative predictive value of 95%. In summary, the available evidence is currently insufficient to determine the role of this variant in disease. Therefore, it has been classified as a Variant of Uncertain Significance.

NM_005076.5(CNTN2):c.388G>A (p.Gly130Ser)

Gene: CNTN2 (contactin 2; plus strand). Cytogenetic location: 1q32.1.
Variant type: single nucleotide variant.
Coding change: c.388G>A on transcript NM_005076.5 (MANE Select); coding-DNA position 388, G replaced by A.
Protein change: p.Gly130Ser; replaces glycine 130 with serine.
Molecular consequence: missense variant. On other transcripts: non-coding transcript variant (1).
Genome position (GRCh38, 1-based): chr1:205,058,353, G>A. VCF-style: chr1-205058353-G-A. GRCh37 (hg19) VCF-style: chr1-205027481-G-A.
Other names: c.388G>A (NM_005076.3); c.388G>A, p.Gly130Ser (NM_001346083.2); short protein forms G130S.
Identifiers: ClinVar variation 1475671 (VCV001475671.9), dbSNP rs368353579, ClinGen allele CA1351002.
Genomic context (GRCh38, chr1:205,058,353, plus strand): 5'-CAGTGCCTGGCCTCCAACCCAGTGGGCACCGTTGTCAGCAGGGAGGCCATCCTCCGCTTC[G>A]GCTGTGAGACCCGCGGGGGACCAAGACACTTTGGGGGAGGGGGAGAGGGGGCTAGGAGAA-3'
Protein context (NP_005067.1, residues 120-140): VVSREAILRF[Gly130Ser]FLQEFSKEER